The following is an entry in ClinVar:

ClinVar aggregate classification (germline): Benign/Likely benign. Review status: criteria provided, multiple submitters, no conflicts (2 of 4 stars). 2 submissions from 2 submitters: Benign (1); Likely benign (1). Last evaluated 2025-05-23.

Conditions:
Holoprosencephaly 11 (HPE11). Identifiers: Orphanet 2162, MedGen C3280215, MONDO:0013642, OMIM 614226.
CDON-related disorder. Also called: CDON-related condition.

Allele frequency attached by ClinVar (database versions not stated): gnomAD exomes 0.00005 and 0.00015; ExAC 0.00013; gnomAD 0.00039 and 0.00041; 1000 Genomes Project 0.00040; ESP Exome Variant Server 0.00046; 1000 Genomes Project 30x 0.00047; TOPMed 0.00051.
gnomAD v4.1: 129 of 1,613,846 alleles (0.008%); highest among the groups gnomAD compares: African/African-American, 0.14%; no homozygotes.

Submissions (2):

PreventionGenetics, part of Exact Sciences
Classification: Likely benign for CDON-related condition. Last evaluated: 2025-05-23. Review status: criteria provided, single submitter. Criteria: ACMG Guidelines, 2015. Collection method: clinical testing. Allele origin: germline.
Comment: This variant is classified as likely benign based on ACMG/AMP sequence variant interpretation guidelines (Richards et al. 2015 PMID: 25741868, with internal and published modifications).

Labcorp Genetics (formerly Invitae), Labcorp
Classification: Benign for Holoprosencephaly 11. Last evaluated: 2025-05-19. Review status: criteria provided, single submitter. Criteria: Invitae Variant Classification Sherloc (09022015). Collection method: clinical testing. Allele origin: germline.

NM_001378964.1(CDON):c.2535A>G (p.Leu845=)

Gene: CDON (cell adhesion associated, oncogene regulated; minus strand). Cytogenetic location: 11q24.2.
Variant type: single nucleotide variant.
Coding change: c.2535A>G on transcript NM_001378964.1 (MANE Select); coding-DNA position 2535, A replaced by G.
Protein change: p.Leu845=; no amino-acid change (leucine 845 retained).
Molecular consequence: synonymous variant.
Genome position (GRCh38, 1-based): chr11:125,994,880, T>C on the plus strand (A>G on the coding strand, the complement: CDON is on the minus strand). VCF-style: chr11-125994880-T-C. GRCh37 (hg19) VCF-style: chr11-125864775-T-C.
Other names: c.2535A>G, p.Leu845= (NM_001243597.3, NM_016952.6).
Identifiers: ClinVar variation 1170597 (VCV001170597.10), dbSNP rs149843751, ClinGen allele CA6351700.